The following is an entry in ClinVar:

ClinVar aggregate classification (germline): Uncertain significance. Review status: criteria provided, multiple submitters, no conflicts (2 of 4 stars). 2 submissions from 2 submitters: Uncertain significance (2). Last evaluated 2024-11-08.

Allele frequency attached by ClinVar (database versions not stated): gnomAD 0.00001; gnomAD exomes 0.00001; TOPMed 0.00002; ExAC 0.00003.
gnomAD v4.1: 20 of 1,594,466 alleles (0.0013%); highest among the groups gnomAD compares: Middle Eastern, 0.022%; no homozygotes.

Submissions (2):

Ambry Genetics
Classification: Uncertain significance. Last evaluated: 2024-11-08. Review status: criteria provided, single submitter. Criteria: Ambry Variant Classification Scheme 2023. Collection method: clinical testing. Allele origin: germline.

Labcorp Genetics (formerly Invitae), Labcorp
Classification: Uncertain significance. Last evaluated: 2022-05-31. Review status: criteria provided, single submitter. Criteria: Invitae Variant Classification Sherloc (09022015). Collection method: clinical testing. Allele origin: germline.
Comment: In summary, the available evidence is currently insufficient to determine the role of this variant in disease. Therefore, it has been classified as a Variant of Uncertain Significance. Algorithms developed to predict the effect of missense changes on protein structure and function output the following: SIFT: "Tolerated"; PolyPhen-2: "Benign"; Align-GVGD: "Class C0". The alanine amino acid residue is found in multiple mammalian species, which suggests that this missense change does not adversely affect protein function. This variant has not been reported in the literature in individuals affected with WNT2B-related conditions. This variant is present in population databases (rs753860536, gnomAD 0.003%). This sequence change replaces threonine, which is neutral and polar, with alanine, which is neutral and non-polar, at codon 51 of the WNT2B protein (p.Thr51Ala).

NM_024494.3(WNT2B):c.151A>G (p.Thr51Ala)

Genes: WNT2B (Wnt family member 2B; plus strand), LOC122094899 (Sharpr-MPRA regulatory region 8072; plus strand). Cytogenetic location: 1p13.2.
Variant type: single nucleotide variant.
Coding change: c.151A>G on transcript NM_024494.3 (MANE Select); coding-DNA position 151, A replaced by G.
Protein change: p.Thr51Ala; replaces threonine 51 with alanine.
Molecular consequence: missense variant. On other transcripts: intron variant (2).
Genome position (GRCh38, 1-based): chr1:112,509,413, A>G. VCF-style: chr1-112509413-A-G. GRCh37 (hg19) VCF-style: chr1-113052035-A-G.
Other names: c.126-5461A>G (NM_004185.4); c.-94-5461A>G (NM_001291880.1); c.151A>G (NM_024494.2); short protein forms T51A.
Identifiers: ClinVar variation 2055556 (VCV002055556.3), dbSNP rs753860536, ClinGen allele CA1008188.